The following is an entry in ClinVar:

NM_001378969.1(KCND3):c.436C>T (p.Arg146Trp)

Gene: KCND3 (potassium voltage-gated channel subfamily D member 3; minus strand). Cytogenetic location: 1p13.2.
Variant type: single nucleotide variant.
Coding change: c.436C>T on transcript NM_001378969.1 (MANE Select); coding-DNA position 436, C replaced by T.
Protein change: p.Arg146Trp; replaces arginine 146 with tryptophan.
Molecular consequence: missense variant.
Genome position (GRCh38, 1-based): chr1:111,982,291, G>A on the plus strand (C>T on the coding strand, the complement: KCND3 is on the minus strand). VCF-style: chr1-111982291-G-A. GRCh37 (hg19) VCF-style: chr1-112524913-G-A.
Other names: c.436C>T, p.Arg146Trp (NM_001378970.1, NM_004980.5, NM_172198.3); short protein forms R146W.
Identifiers: ClinVar variation 1430289 (VCV001430289.8), dbSNP rs575658111, ClinGen allele CA341822145.
Genomic context (GRCh38, chr1:111,982,291, plus strand): 5'-GGAAGCTGAGCGAGGGCATGGACTCCTGGTTGTTCTCCGAGTCGTTGTCGTCCATGAGCC[G>A]CTCGGCGTTCTCCCTCTTGCGGTCCTTGTACTCCTCGTAGCAGCAGTCCCCGATGATCTC-3'
Protein context (NP_001365898.1, residues 136-156): YKDRKRENAE[Arg146Trp]LMDDNDSENN

ClinVar aggregate classification (germline): Uncertain significance (1 of 4 stars; one submission).

Conditions:
Spinocerebellar ataxia type 19/22 (SCA19). Also called: SPINOCEREBELLAR ATAXIA 22; SPINOCEREBELLAR ATAXIA 19. Identifiers: Orphanet 98772, MedGen C1846367, MONDO:0011819, OMIM 607346.

Allele frequency attached by ClinVar (database versions not stated): gnomAD exomes below 0.00001.
gnomAD v4.1: 2 of 1,614,064 alleles (0.00012%); highest among the groups gnomAD compares: Non-Finnish European, 0.00017%; no homozygotes.

Submission:

Labcorp Genetics (formerly Invitae), Labcorp
Classification: Uncertain significance for Spinocerebellar ataxia type 19/22. Last evaluated: 2021-01-26. Review status: criteria provided, single submitter. Criteria: Invitae Variant Classification Sherloc (09022015). Collection method: clinical testing. Allele origin: germline.
Comment: In summary, the available evidence is currently insufficient to determine the role of this variant in disease. Therefore, it has been classified as a Variant of Uncertain Significance. Algorithms developed to predict the effect of missense changes on protein structure and function (SIFT, PolyPhen-2, Align-GVGD) all suggest that this variant is likely to be disruptive, but these predictions have not been confirmed by published functional studies and their clinical significance is uncertain. This variant has not been reported in the literature in individuals with KCND3-related conditions. This variant is not present in population databases (ExAC no frequency). This sequence change replaces arginine with tryptophan at codon 146 of the KCND3 protein (p.Arg146Trp). The arginine residue is highly conserved and there is a moderate physicochemical difference between arginine and tryptophan.